The following is an entry in ClinVar:

NM_012123.4(MTO1):c.137dup (p.His46fs)

Gene: MTO1 (mitochondrial tRNA translation optimization 1; plus strand). Cytogenetic location: 6q13.
Variant type: Duplication.
Coding change: c.137dup on transcript NM_012123.4 (MANE Select); coding-DNA position 137, one base duplicated (A; older notation c.137dupA).
Protein change: p.His46fs; shifts the reading frame from histidine 46.
Molecular consequence: frameshift variant.
Genome position (GRCh38, 1-based): chr6:73,461,991, A duplicated. VCF-style (leftmost placement, unchanged base first): chr6-73461990-C-CA. GRCh37 (hg19) VCF-style: chr6-74171713-C-CA.
Other names: c.137dup, p.His46fs (NM_001123226.2, NM_133645.3); short protein forms H46fs.
Identifiers: ClinVar variation 2718305 (VCV002718305.3), dbSNP rs2533233898, ClinGen allele CA2697553559.

ClinVar aggregate classification (germline): Pathogenic (1 of 4 stars; one submission).

Conditions:
Mitochondrial hypertrophic cardiomyopathy with lactic acidosis due to MTO1 deficiency. Also called: CARDIOMYOPATHY, INFANTILE HYPERTROPHIC MITOCHONDRIAL, AND LACTIC ACIDOSIS; Combined oxidative phosphorylation deficiency 10. Identifiers: Orphanet 314637, MedGen C4749921, MONDO:0013865, OMIM 614702.

Submission:

Labcorp Genetics (formerly Invitae), Labcorp
Classification: Pathogenic for Mitochondrial hypertrophic cardiomyopathy with lactic acidosis due to MTO1 deficiency. Last evaluated: 2023-04-30. Review status: criteria provided, single submitter. Criteria: Invitae Variant Classification Sherloc (09022015). Collection method: clinical testing. Allele origin: germline.
Comment: This sequence change creates a premature translational stop signal (p.His46Glnfs*5) in the MTO1 gene. It is expected to result in an absent or disrupted protein product. Loss-of-function variants in MTO1 are known to be pathogenic (PMID: 22608499, 25058219). For these reasons, this variant has been classified as Pathogenic. This variant has not been reported in the literature in individuals affected with MTO1-related conditions. This variant is not present in population databases (gnomAD no frequency).

Literature cited by the submitters: PubMed 22608499; PubMed 25058219.